The following is an entry in ClinVar:

NM_022166.4(XYLT1):c.2122_2123del (p.Ala708fs)

Gene: XYLT1 (xylosyltransferase 1; minus strand). Cytogenetic location: 16p12.3.
Variant type: Deletion.
Coding change: c.2122_2123del on transcript NM_022166.4 (MANE Select); coding-DNA positions 2122 to 2123, 2 bases deleted (GC; older notation c.2122_2123delGC).
Protein change: p.Ala708fs; shifts the reading frame from alanine 708.
Molecular consequence: frameshift variant.
Genome position (GRCh38, 1-based): chr16:17,127,766-17,127,767, GC deleted on the plus strand (GC on the coding strand, the reverse complement: XYLT1 is on the minus strand). VCF-style (leftmost placement, unchanged base first): chr16-17127765-AGC-A. GRCh37 (hg19) VCF-style: chr16-17221622-AGC-A.
Other names: short protein forms A708fs.
Identifiers: ClinVar variation 452883 (VCV000452883.4), dbSNP rs1323802111, ClinGen allele CA658658394.
Genomic context (GRCh38, chr16:17,127,765, plus strand): 5'-TGCGATCTTGAAGACTTTTTTCGGCATCACCCAGGTCTCCAGAGTCTCTAGTTTGCTCAC[AGC>A]CAGATTGGTAGCATGATGCTTGATCAGAAAGCCCTGGAAGCGGTCAGCAAGGAAGTAGAG-3'

ClinVar aggregate classification (germline): Pathogenic/Likely pathogenic. Review status: criteria provided, multiple submitters, no conflicts (2 of 4 stars). 2 submissions from 2 submitters: Pathogenic (1); Likely pathogenic (1). Last evaluated 2024-11-18.

Conditions:
Desbuquois dysplasia 1 (DBQD1). Also called: DESBUQUOIS DYSPLASIA 1, KIM VARIANT; MICROMELIC DWARFISM WITH VERTEBRAL AND METAPHYSEAL ABNORMALITIES AND ADVANCED CARPOTARSAL OSSIFICATION. Identifiers: Orphanet 1425, MedGen C4012146, MONDO:0009629, OMIM 251450.

Allele frequency attached by ClinVar (database versions not stated): gnomAD 0.00001; TOPMed 0.00001.

Submissions (2):

Labcorp Genetics (formerly Invitae), Labcorp
Classification: Pathogenic for Desbuquois dysplasia 1. Last evaluated: 2024-11-18. Review status: criteria provided, single submitter. Criteria: Invitae Variant Classification Sherloc (09022015). Collection method: clinical testing. Allele origin: germline.
Comment: This sequence change creates a premature translational stop signal (p.Ala708Cysfs*25) in the XYLT1 gene. It is expected to result in an absent or disrupted protein product. Loss-of-function variants in XYLT1 are known to be pathogenic (PMID: 24581741, 26601923). This variant is not present in population databases (gnomAD no frequency). This variant has not been reported in the literature in individuals affected with XYLT1-related conditions. ClinVar contains an entry for this variant (Variation ID: 452883). For these reasons, this variant has been classified as Pathogenic.

GeneDx
Classification: Likely pathogenic. Last evaluated: 2017-10-17. Review status: criteria provided, single submitter. Criteria: GeneDx Variant Classification (06012015). Collection method: clinical testing. Allele origin: germline. Affected: yes.
Comment: The c.2122_2123delGC pathogenic variant in the XYLT1 gene has not been reported previously as a pathogenic variant nor as a benign variant, to our knowledge. The c.2122_2123delGC variant causes a frameshift starting with codon Alanine 708, changes this amino acid to a Cysteine residue, and creates a premature Stop codon at position 25 of the new reading frame, denoted p.Ala708CysfsX25. This variant is predicted to cause loss of normal protein function either through protein truncation or nonsense-mediated mRNA decay. The c.2122_2123delGC variant is not observed in large population cohorts (Lek et al., 2016). We interpret c.2122_2123delGC as a likely pathogenic variant.

Literature cited by the submitters: PubMed 24581741 (cited by Labcorp Genetics (formerly Invitae), Labcorp); PubMed 26601923 (cited by Labcorp Genetics (formerly Invitae), Labcorp).